The following is an entry in ClinVar:

NM_015178.3(RHOBTB2):c.1308_1309dup (p.Glu437fs)

Gene: RHOBTB2 (Rho related BTB domain containing 2; plus strand). Cytogenetic location: 8p21.3.
Variant type: Duplication.
Coding change: c.1308_1309dup on transcript NM_015178.3 (MANE Select); coding-DNA positions 1308 to 1309, 2 bases duplicated (GG; older notation c.1308_1309dupGG).
Protein change: p.Glu437fs; shifts the reading frame from glutamic acid 437.
Molecular consequence: frameshift variant.
Genome position (GRCh38, 1-based): chr8:23,007,553-23,007,554, GG duplicated; duplicating any 2 consecutive bases within chr8:23,007,550-23,007,554 gives the same sequence; the c. name uses the placement nearest the transcript's 3' end. VCF-style (leftmost placement, unchanged base first): chr8-23007549-C-CGG. GRCh37 (hg19) VCF-style: chr8-22865062-C-CGG.
Other names: c.1329_1330dup, p.Glu444fs (NM_001160037.2); c.1308_1309dup, p.Glu437fs (NM_001374791.1); c.1374_1375dup, p.Glu459fs (NM_001160036.2); short protein forms E437fs, E459fs, E444fs.
Identifiers: ClinVar variation 3643056 (VCV003643056.2).

ClinVar aggregate classification (germline): Uncertain significance (1 of 4 stars; one submission).

Submission:

Labcorp Genetics (formerly Invitae), Labcorp
Classification: Uncertain significance. Last evaluated: 2024-02-24. Review status: criteria provided, single submitter. Criteria: Invitae Variant Classification Sherloc (09022015). Collection method: clinical testing. Allele origin: germline.
Comment: This sequence change creates a premature translational stop signal (p.Glu459Glyfs*3) in the RHOBTB2 gene. It is expected to result in an absent or disrupted protein product. However, the current clinical and genetic evidence is not sufficient to establish whether loss-of-function variants in RHOBTB2 cause disease. This variant is not present in population databases (gnomAD no frequency). This variant has not been reported in the literature in individuals affected with RHOBTB2-related conditions. In summary, the available evidence is currently insufficient to determine the role of this variant in disease. Therefore, it has been classified as a Variant of Uncertain Significance.